The following is an entry in ClinVar:

ClinVar aggregate classification (germline): Uncertain significance. Review status: criteria provided, multiple submitters, no conflicts (2 of 4 stars). 2 submissions from 2 submitters: Uncertain significance (2). Last evaluated 2025-07-16.

Conditions:
Inborn genetic diseases. Identifiers: MedGen C0950123, MeSH D030342.

gnomAD v4.1: 4 of 1,613,842 alleles (0.00025%); highest among the groups gnomAD compares: African/African-American, 0.0053%; no homozygotes.

Submissions (2):

Ambry Genetics
Classification: Uncertain significance for Inborn genetic diseases. Last evaluated: 2025-07-16. Review status: criteria provided, single submitter. Criteria: Ambry Variant Classification Scheme 2023. Collection method: clinical testing. Allele origin: germline.

Labcorp Genetics (formerly Invitae), Labcorp
Classification: Uncertain significance. Last evaluated: 2022-02-06. Review status: criteria provided, single submitter. Criteria: Invitae Variant Classification Sherloc (09022015). Collection method: clinical testing. Allele origin: germline.
Comment: This sequence change replaces asparagine, which is neutral and polar, with isoleucine, which is neutral and non-polar, at codon 370 of the ARHGEF18 protein (p.Asn370Ile). This variant is present in population databases (no rsID available, gnomAD 0.008%). This variant has not been reported in the literature in individuals affected with ARHGEF18-related conditions. Algorithms developed to predict the effect of missense changes on protein structure and function are either unavailable or do not agree on the potential impact of this missense change (SIFT: "Deleterious"; PolyPhen-2: "Probably Damaging"; Align-GVGD: "Class C0"). In summary, the available evidence is currently insufficient to determine the role of this variant in disease. Therefore, it has been classified as a Variant of Uncertain Significance.

NM_001367823.1(ARHGEF18):c.1673A>T (p.Asn558Ile)

Gene: ARHGEF18 (Rho/Rac guanine nucleotide exchange factor 18; plus strand). Cytogenetic location: 19p13.2.
Variant type: single nucleotide variant.
Coding change: c.1673A>T on transcript NM_001367823.1 (MANE Select); coding-DNA position 1673, A replaced by T.
Protein change: p.Asn558Ile; replaces asparagine 558 with isoleucine.
Molecular consequence: missense variant.
Genome position (GRCh38, 1-based): chr19:7,447,104, A>T. VCF-style: chr19-7447104-A-T. GRCh37 (hg19) VCF-style: chr19-7511990-A-T.
Other names: c.1109A>T (NM_001130955.1); c.947A>T, p.Asn316Ile (NM_001130955.2); c.635A>T, p.Asn212Ile (NM_001367824.1, NM_015318.4); short protein forms N212I, N316I, N558I.
Identifiers: ClinVar variation 1960570 (VCV001960570.3), dbSNP rs747101090, ClinGen allele CA403106482.